The following is an entry in ClinVar:

NM_002439.5(MSH3):c.2936G>C (p.Arg979Thr)

Gene: MSH3 (mutS homolog 3; plus strand). Cytogenetic location: 5q14.1.
Variant type: single nucleotide variant.
Coding change: c.2936G>C on transcript NM_002439.5 (MANE Select); coding-DNA position 2936, G replaced by C.
Protein change: p.Arg979Thr; replaces arginine 979 with threonine.
Molecular consequence: missense variant.
Genome position (GRCh38, 1-based): chr5:80,854,252, G>C. VCF-style: chr5-80854252-G-C. GRCh37 (hg19) VCF-style: chr5-80150071-G-C.
Other names: short protein forms R979T.
Identifiers: ClinVar variation 656003 (VCV000656003.16), dbSNP rs1174658305, ClinGen allele CA360275725.

ClinVar aggregate classification (germline): Uncertain significance. Review status: criteria provided, multiple submitters, no conflicts (2 of 4 stars). 5 submissions from 5 submitters: Uncertain significance (5). Last evaluated 2025-08-05.

Conditions:
Hereditary cancer-predisposing syndrome. Also called: Hereditary neoplastic syndrome; Tumor predisposition; Neoplastic Syndromes, Hereditary; Hereditary Cancer Syndrome. Identifiers: Orphanet 140162, MedGen C0027672, MeSH D009386, MONDO:0015356.

Allele frequency attached by ClinVar (database versions not stated): TOPMed 0.00001; gnomAD exomes 0.00001.
gnomAD v4.1: 11 of 1,614,002 alleles (0.00068%); highest among the groups gnomAD compares: Non-Finnish European, 0.00059%; no homozygotes.

Submissions (5):

Labcorp Genetics (formerly Invitae), Labcorp
Classification: Uncertain significance. Last evaluated: 2025-08-05. Review status: criteria provided, single submitter. Criteria: Invitae Variant Classification Sherloc (09022015). Collection method: clinical testing. Allele origin: germline.
Comment: This sequence change replaces arginine, which is basic and polar, with threonine, which is neutral and polar, at codon 979 of the MSH3 protein (p.Arg979Thr). This variant is present in population databases (no rsID available, gnomAD 0.002%). This variant has not been reported in the literature in individuals affected with MSH3-related conditions. ClinVar contains an entry for this variant (Variation ID: 656003). An algorithm developed to predict the effect of missense changes on protein structure and function (PolyPhen-2) suggests that this variant is likely to be disruptive. In summary, the available evidence is currently insufficient to determine the role of this variant in disease. Therefore, it has been classified as a Variant of Uncertain Significance.

GeneDx
Classification: Uncertain significance. Last evaluated: 2025-03-07. Review status: criteria provided, single submitter. Criteria: GeneDx Variant Classification Process June 2021. Collection method: clinical testing. Allele origin: germline. Affected: yes.
Comment: Not observed at significant frequency in large population cohorts (gnomAD); In silico analysis supports that this missense variant has a deleterious effect on protein structure/function; Has not been previously published as pathogenic or benign to our knowledge

Center for Genomic Medicine, Rigshospitalet, Copenhagen University Hospital
Classification: Uncertain significance. Last evaluated: 2025-03-04. Review status: criteria provided, single submitter. Criteria: ACMG Guidelines, 2015. Collection method: clinical testing. Allele origin: germline.

Ambry Genetics
Classification: Uncertain significance for Hereditary cancer-predisposing syndrome. Last evaluated: 2024-04-09. Review status: criteria provided, single submitter. Criteria: Ambry Variant Classification Scheme 2023. Collection method: clinical testing. Allele origin: germline.
Comment: The p.R979T variant (also known as c.2936G>C), located in coding exon 21 of the MSH3 gene, results from a G to C substitution at nucleotide position 2936. The arginine at codon 979 is replaced by threonine, an amino acid with similar properties. This amino acid position is highly conserved in available vertebrate species. In addition, this alteration is predicted to be deleterious by in silico analysis. Since supporting evidence is limited at this time, the clinical significance of this alteration remains unclear.

Institute for Clinical Genetics, University Hospital TU Dresden, University Hospital TU Dresden
Classification: Uncertain significance. Last evaluated: 2021-11-03. Review status: criteria provided, single submitter. Criteria: ACMG Guidelines, 2015. Collection method: clinical testing. Allele origin: germline.